The following is an entry in ClinVar:

ClinVar aggregate classification (germline): Likely benign (1 of 4 stars; one submission).

Conditions:
MELAS syndrome (MELAS). Also called: Juvenile myopathy, encephalopathy, lactic acidosis, stroke. Identifiers: Orphanet 550, MedGen C0162671, MONDO:0010789, OMIM 540000.

Submission:

Wong Mito Lab, Molecular and Human Genetics, Baylor College of Medicine
Classification: Likely benign for MELAS syndrome. Last evaluated: 2019-07-12. Review status: criteria provided, single submitter. Criteria: Modified ACMG Guidelines (Unpublished). Collection method: clinical testing. Allele origin: germline.
Comment: The NC_012920.1:m.629T>A variant in MT-TF gene is interpreted to be a Likely Benign variant based on the modified ACMG guidelines (unpublished). This variant meets the following evidence codes reported in the guidelines: BS1, BP4

Literature cited by the submitters: PubMed 31965079.

NC_012920.1(MT-TF):m.629T>A

Gene: MT-TF (mitochondrially encoded tRNA phenylalanine; plus strand).
Variant type: single nucleotide variant.
Genome position: chrM-629-T-A.
Identifiers: ClinVar variation 689824 (VCV000689824.1), dbSNP rs201031012, ClinGen allele CA913175668.